The following is an entry in ClinVar:

ClinVar aggregate classification (germline): Uncertain significance. Review status: criteria provided, multiple submitters, no conflicts (2 of 4 stars). 3 submissions from 3 submitters: Uncertain significance (3). Last evaluated 2025-05-18.

Conditions:
Charcot-Marie-Tooth disease type 2. Also called: Charcot-Marie-Tooth type 2. Identifiers: Orphanet 64746, MedGen C0270914, MONDO:0018993.

Submissions (3):

Labcorp Genetics (formerly Invitae), Labcorp
Classification: Uncertain significance for Charcot-Marie-Tooth disease type 2. Last evaluated: 2025-05-18. Review status: criteria provided, single submitter. Criteria: Invitae Variant Classification Sherloc (09022015). Collection method: clinical testing. Allele origin: germline.
Comment: This sequence change replaces leucine, which is neutral and non-polar, with arginine, which is basic and polar, at codon 104 of the LMNA protein (p.Leu104Arg). This variant is not present in population databases (gnomAD no frequency). This variant has not been reported in the literature in individuals affected with LMNA-related conditions. ClinVar contains an entry for this variant (Variation ID: 284810). Invitae Evidence Modeling of protein sequence and biophysical properties (such as structural, functional, and spatial information, amino acid conservation, physicochemical variation, residue mobility, and thermodynamic stability) indicates that this missense variant is expected to disrupt LMNA protein function with a positive predictive value of 95%. In summary, the available evidence is currently insufficient to determine the role of this variant in disease. Therefore, it has been classified as a Variant of Uncertain Significance.

GeneDx
Classification: Uncertain significance. Last evaluated: 2016-11-22. Review status: criteria provided, single submitter. Criteria: GeneDx Variant Classification (06012015). Collection method: clinical testing. Allele origin: germline. Affected: yes.
Comment: A variant of uncertain significance has been identified in the LMNA gene. The L104R variant has not been published as a pathogenic variant, nor has it been reported as a benign variant to our knowledge. The L104R variant was not observed in approximately 6,500 individuals of European and African American ancestry in the NHLBI Exome Sequencing Project, indicating it is not a common benign variant in these populations. Additionally, the L104R variant is a non-conservative amino acid substitution, which is likely to impact secondary protein structure as these residues differ in polarity, charge, size and/or other properties. This substitution occurs at a position that is conserved across species. In silico analysis predicts this variant is probably damaging to the protein structure/function. Nevertheless, this L104R variant lacks sufficient evidence, such as segregation studies and functional studies to support its pathogenicity.

Eurofins Ntd Llc (ga)
Classification: Uncertain significance. Last evaluated: 2015-11-10. Review status: criteria provided, single submitter. Criteria: EGL Classification Definitions 2015. Collection method: clinical testing. Allele origin: germline. Observed: 1 variant allele, 1 heterozygote.

NM_170707.4(LMNA):c.311T>G (p.Leu104Arg)

Gene: LMNA (lamin A/C; plus strand). Cytogenetic location: 1q22.
Variant type: single nucleotide variant.
Coding change: c.311T>G on transcript NM_170707.4 (MANE Select); coding-DNA position 311, T replaced by G.
Protein change: p.Leu104Arg; replaces leucine 104 with arginine.
Molecular consequence: missense variant.
Genome position (GRCh38, 1-based): chr1:156,115,229, T>G. VCF-style: chr1-156115229-T-G. GRCh37 (hg19) VCF-style: chr1-156085020-T-G.
Other names: c.311T>G, p.Leu104Arg (NM_001282625.2, NM_001282626.2, NM_005572.4 and 1 more transcripts); short protein forms L104R.
Identifiers: ClinVar variation 284810 (VCV000284810.7), dbSNP rs886042953, ClinGen allele CA10604915.